The following is an entry in ClinVar:

NM_153214.3(FBLN7):c.246G>A (p.Pro82=)

Gene: FBLN7 (fibulin 7; plus strand). Cytogenetic location: 2q13.
Variant type: single nucleotide variant.
Coding change: c.246G>A on transcript NM_153214.3 (MANE Select); coding-DNA position 246, G replaced by A.
Protein change: p.Pro82=; no amino-acid change (proline 82 retained).
Molecular consequence: synonymous variant.
Genome position (GRCh38, 1-based): chr2:112,165,011, G>A. VCF-style: chr2-112165011-G-A. GRCh37 (hg19) VCF-style: chr2-112922588-G-A.
Other names: NC_000002.11:g.112922588G>A; c.246G>A, p.Pro82= (NM_001128165.2).
Identifiers: ClinVar variation 2651270 (VCV002651270.25), dbSNP rs34870326, ClinGen allele CA1832751.
Genomic context (GRCh38, chr2:112,165,011, plus strand): 5'-GGCTGTGGTCCAGGATGAGGAGCTCGTAATCCTTCCATCTCTCCTTACAGTTTCCTGCCC[G>A]GCTCTGAACACCCCCGCAGACGGCAGAAAGTTTGGAAGCAAGTACTTAGTGGATCACGAA-3'
Protein context (NP_694946.2, residues 72-92): VGPDALPVSC[Pro82=]ALNTPADGRK

ClinVar aggregate classification (germline): Likely benign (1 of 4 stars; one submission).

Allele frequency attached by ClinVar (database versions not stated): 1000 Genomes Project 30x 0.00109; 1000 Genomes Project 0.00120; TOPMed 0.00161; gnomAD 0.00176; gnomAD exomes 0.00273; ESP Exome Variant Server 0.00323.
gnomAD v4.1: 4,230 of 1,614,006 alleles (0.26%); highest among the groups gnomAD compares: South Asian, 0.47%; 11 homozygotes.

Submissions (5):

CeGaT Center for Human Genetics Tuebingen
Classification: Likely benign. Last evaluated: 2022-10-01. Review status: criteria provided, single submitter. Criteria: CeGaT Center For Human Genetics Tuebingen Variant Classification Criteria Version 2. Collection method: clinical testing. Allele origin: germline. Affected: yes. Observed: 1 variant allele.
Comment: FBLN7: BP4, BP7

Dr. Peter K. Rogan Lab, Western University
No classification provided (evidence only). Condition: Sarcoma. Review status: no classification provided. Collection method: in vitro. Allele origin: not applicable. Functional consequence: retained intron. Not counted in ClinVar's aggregate classification.

Dr. Peter K. Rogan Lab, Western University
No classification provided (evidence only). Condition: Sarcoma. Review status: no classification provided. Collection method: in vitro. Allele origin: not applicable. Functional consequence: retained intron. Not counted in ClinVar's aggregate classification.

Dr. Peter K. Rogan Lab, Western University
No classification provided (evidence only). Condition: Hepatocellular carcinoma. Review status: no classification provided. Collection method: in vitro. Allele origin: not applicable. Functional consequence: retained intron. Not counted in ClinVar's aggregate classification.

Dr. Peter K. Rogan Lab, Western University
No classification provided (evidence only). Condition: Ovarian serous cystadenocarcinoma. Review status: no classification provided. Collection method: in vitro. Allele origin: not applicable. Functional consequence: retained intron. Not counted in ClinVar's aggregate classification.